The following is an entry in ClinVar:

ClinVar aggregate classification (germline): Uncertain significance. Review status: criteria provided, multiple submitters, no conflicts (2 of 4 stars). 2 submissions from 2 submitters: Uncertain significance (2). Last evaluated 2023-08-04.

Conditions:
Inborn genetic diseases. Identifiers: MedGen C0950123, MeSH D030342.

Allele frequency attached by ClinVar (database versions not stated): ExAC 0.00001; gnomAD exomes 0.00002 and 0.00003; gnomAD 0.00007 and 0.00008; ESP Exome Variant Server 0.00008; TOPMed 0.00014.

Submissions (2):

Labcorp Genetics (formerly Invitae), Labcorp
Classification: Uncertain significance. Last evaluated: 2023-08-04. Review status: criteria provided, single submitter. Criteria: Invitae Variant Classification Sherloc (09022015). Collection method: clinical testing. Allele origin: germline.
Comment: An algorithm developed to predict the effect of missense changes on protein structure and function (PolyPhen-2) suggests that this variant¬†is likely to be tolerated. This sequence change replaces methionine, which is neutral and non-polar, with isoleucine, which is neutral and non-polar, at codon 1638 of the TUBGCP6 protein (p.Met1638Ile). This variant is present in population databases (rs367985017, gnomAD 0.02%). This variant has not been reported in the literature in individuals affected with TUBGCP6-related conditions. ClinVar contains an entry for this variant (Variation ID: 841773). In summary, the available evidence is currently insufficient to determine the role of this variant in disease. Therefore, it has been classified as a Variant of Uncertain Significance.

Ambry Genetics
Classification: Uncertain significance for Inborn genetic diseases. Last evaluated: 2023-01-23. Review status: criteria provided, single submitter. Criteria: Ambry Variant Classification Scheme 2023. Collection method: clinical testing. Allele origin: germline.

NM_020461.4(TUBGCP6):c.4914G>A (p.Met1638Ile)

Gene: TUBGCP6 (tubulin gamma complex component 6; minus strand). Cytogenetic location: 22q13.33.
Variant type: single nucleotide variant.
Coding change: c.4914G>A on transcript NM_020461.4 (MANE Select); coding-DNA position 4914, G replaced by A.
Protein change: p.Met1638Ile; replaces methionine 1638 with isoleucine.
Molecular consequence: missense variant.
Genome position (GRCh38, 1-based): chr22:50,218,528, C>T on the plus strand (G>A on the coding strand, the complement: TUBGCP6 is on the minus strand). VCF-style: chr22-50218528-C-T. GRCh37 (hg19) VCF-style: chr22-50656957-C-T.
Other names: short protein forms M1638I.
Identifiers: ClinVar variation 841773 (VCV000841773.7), dbSNP rs367985017, ClinGen allele CA10307277.